The following is an entry in ClinVar:

ClinVar aggregate classification (germline): Uncertain significance. Review status: criteria provided, multiple submitters, no conflicts (2 of 4 stars). 2 submissions from 2 submitters: Uncertain significance (2). Last evaluated 2026-01-27.

gnomAD v4.1: 2 of 1,612,572 alleles (0.00012%); highest among the groups gnomAD compares: Non-Finnish European, 0.00017%; no homozygotes.

Submissions (2):

Women's Health and Genetics/Laboratory Corporation of America, LabCorp
Classification: Uncertain significance. Last evaluated: 2026-01-27. Review status: criteria provided, single submitter. Criteria: LabCorp Variant Classification Summary - May 2015. Collection method: clinical testing. Allele origin: germline.
Comment: Variant summary: KMT2B c.899G>A (p.Gly300Glu) results in a non-conservative amino acid change in the encoded protein sequence. Algorithms developed to predict the effect of missense changes on protein structure and function are either unavailable or do not agree on the potential impact of this missense change. The variant was absent in 244604 control chromosomes. The available data on variant occurrences in the general population are insufficient to allow any conclusion about variant significance. To our knowledge, no occurrence of c.899G>A in individuals affected with KMT2B-related conditions and no experimental evidence demonstrating its impact on protein function have been reported. No submitters have cited clinical-significance assessments for this variant to ClinVar. Based on the evidence outlined above, the variant was classified as uncertain significance.

Labcorp Genetics (formerly Invitae), Labcorp
Classification: Uncertain significance. Last evaluated: 2025-08-20. Review status: criteria provided, single submitter. Criteria: Invitae Variant Classification Sherloc (09022015). Collection method: clinical testing. Allele origin: germline.
Comment: This sequence change replaces glycine, which is neutral and non-polar, with glutamic acid, which is acidic and polar, at codon 300 of the KMT2B protein (p.Gly300Glu). This variant is not present in population databases (gnomAD no frequency). This variant has not been reported in the literature in individuals affected with KMT2B-related conditions. Invitae Evidence Modeling of protein sequence and biophysical properties (such as structural, functional, and spatial information, amino acid conservation, physicochemical variation, residue mobility, and thermodynamic stability) indicates that this missense variant is not expected to disrupt KMT2B protein function with a negative predictive value of 95%. In summary, the available evidence is currently insufficient to determine the role of this variant in disease. Therefore, it has been classified as a Variant of Uncertain Significance.

NM_014727.3(KMT2B):c.899G>A (p.Gly300Glu)

Gene: KMT2B (lysine methyltransferase 2B; plus strand). Cytogenetic location: 19q13.12.
Variant type: single nucleotide variant.
Coding change: c.899G>A on transcript NM_014727.3 (MANE Select); coding-DNA position 899, G replaced by A.
Protein change: p.Gly300Glu; replaces glycine 300 with glutamic acid.
Molecular consequence: missense variant.
Genome position (GRCh38, 1-based): chr19:35,720,246, G>A. VCF-style: chr19-35720246-G-A. GRCh37 (hg19) VCF-style: chr19-36211148-G-A.
Other names: short protein forms G300E.
Identifiers: ClinVar variation 4689374 (VCV004689374.2).